The following is an entry in ClinVar:

ClinVar aggregate classification (germline): Uncertain significance (1 of 4 stars; one submission).

gnomAD v4.1: 1 of 1,566,352 alleles (0.000064%); highest among the groups gnomAD compares: Non-Finnish European, 0.000086%; no homozygotes.

Submission:

GeneDx
Classification: Uncertain significance. Last evaluated: 2026-04-02. Review status: criteria provided, single submitter. Criteria: GeneDx Variant Classification Process June 2021. Collection method: clinical testing. Allele origin: germline.
Comment: Not observed at significant frequency in large population cohorts (gnomAD); In silico analysis suggests that this missense variant does not alter protein structure/function; Has not been previously published as pathogenic or benign to our knowledge

NM_018026.4(PACS1):c.170C>A (p.Ser57Tyr)

Gene: PACS1 (phosphofurin acidic cluster sorting protein 1; plus strand). Cytogenetic location: 11q13.1.
Variant type: single nucleotide variant.
Coding change: c.170C>A on transcript NM_018026.4 (MANE Select); coding-DNA position 170, C replaced by A.
Protein change: p.Ser57Tyr; replaces serine 57 with tyrosine.
Molecular consequence: missense variant.
Genome position (GRCh38, 1-based): chr11:66,070,656, C>A. VCF-style: chr11-66070656-C-A. GRCh37 (hg19) VCF-style: chr11-65838127-C-A.
Other names: short protein forms S57Y.
Identifiers: ClinVar variation 5018139 (VCV005018139.1).